The following is an entry in ClinVar:

NM_015046.7(SETX):c.6805T>A (p.Ser2269Thr)

Gene: SETX (senataxin; minus strand). Cytogenetic location: 9q34.13.
Variant type: single nucleotide variant.
Coding change: c.6805T>A on transcript NM_015046.7 (MANE Select); coding-DNA position 6805, T replaced by A.
Protein change: p.Ser2269Thr; replaces serine 2269 with threonine.
Molecular consequence: missense variant.
Genome position (GRCh38, 1-based): chr9:132,278,107, A>T on the plus strand (T>A on the coding strand, the complement: SETX is on the minus strand). VCF-style: chr9-132278107-A-T. GRCh37 (hg19) VCF-style: chr9-135153494-A-T.
Other names: c.6805T>A (NM_015046.5); c.6805T>A, p.Ser2269Thr (NM_001351527.2, NM_001351528.2); short protein forms S2269T.
Identifiers: ClinVar variation 1444474 (VCV001444474.10), dbSNP rs1421665944, ClinGen allele CA375330917.

ClinVar aggregate classification (germline): Conflicting classifications of pathogenicity. Review status: criteria provided, conflicting classifications (1 of 4 stars). 3 submissions from 3 submitters: Uncertain significance (1); Likely benign (1). 1 of the submissions does not count toward it. Last evaluated 2023-10-16.

Conditions:
Inborn genetic diseases. Identifiers: MedGen C0950123, MeSH D030342.
SETX-related disorder. Also called: SETX-related disorders; SETX-related condition. Identifiers: MedGen CN239403.
Spinocerebellar ataxia, autosomal recessive, with axonal neuropathy 2 (SCAN2). Also called: Ataxia with Oculomotor Apraxia Type 2; Ataxia-ocular apraxia-2; ATAXIA-OCULOMOTOR APRAXIA 2; Ataxia with Oculomotor Apraxia. Identifiers: Orphanet 64753, MedGen C1853761, MONDO:0018996, OMIM 606002.
Amyotrophic lateral sclerosis type 4 (ALS4). Also called: AMYOTROPHIC LATERAL SCLEROSIS 4, JUVENILE; NEURONOPATHY, DISTAL HEREDITARY MOTOR, WITH PYRAMIDAL FEATURES. Identifiers: Orphanet 357043, MedGen C1865409, MONDO:0011223, OMIM 602433.

Allele frequency attached by ClinVar (database versions not stated): gnomAD exomes below 0.00001 and 0.00001; TOPMed below 0.00001; gnomAD 0.00001.
gnomAD v4.1: 4 of 1,613,990 alleles (0.00025%); highest among the groups gnomAD compares: Non-Finnish European, 0.00034%; no homozygotes.

Submissions (3):

Ambry Genetics
Classification: Uncertain significance for Inborn genetic diseases. Last evaluated: 2023-10-16. Review status: criteria provided, single submitter. Criteria: Ambry Variant Classification Scheme 2023. Collection method: clinical testing. Allele origin: germline.

Labcorp Genetics (formerly Invitae), Labcorp
Classification: Likely benign for Amyotrophic lateral sclerosis type 4; Spinocerebellar ataxia, autosomal recessive, with axonal neuropathy 2. Last evaluated: 2023-08-10. Review status: criteria provided, single submitter. Criteria: Invitae Variant Classification Sherloc (09022015). Collection method: clinical testing. Allele origin: germline.

PreventionGenetics, part of Exact Sciences
Classification: Uncertain significance for SETX-related condition. Last evaluated: 2024-04-05. Review status: no assertion criteria provided. Collection method: clinical testing. Allele origin: germline. Not counted in ClinVar's aggregate classification.
Comment: The SETX c.6805T>A variant is predicted to result in the amino acid substitution p.Ser2269Thr. To our knowledge, this variant has not been reported in the literature. This variant is reported in 0.00088% of alleles in individuals of European (Non-Finnish) descent in gnomAD. At this time, the clinical significance of this variant is uncertain due to the absence of conclusive functional and genetic evidence.